The following is an entry in ClinVar:

NM_000071.3(CBS):c.637G>T (p.Glu213Ter)

Gene: CBS (cystathionine beta-synthase; minus strand). Cytogenetic location: 21q22.3.
Variant type: single nucleotide variant.
Coding change: c.637G>T on transcript NM_000071.3 (MANE Select); coding-DNA position 637, G replaced by T.
Protein change: p.Glu213Ter; replaces glutamic acid 213 with a stop codon.
Molecular consequence: nonsense.
Genome position (GRCh38, 1-based): chr21:43,065,416, C>A on the plus strand (G>T on the coding strand, the complement: CBS is on the minus strand). VCF-style: chr21-43065416-C-A. GRCh37 (hg19) VCF-style: chr21-44485526-C-A.
Other names: c.637G>T, p.Glu213Ter (NM_001178008.3, NM_001178009.3, NM_001320298.2); c.322G>T, p.Glu108Ter (NM_001321072.1); short protein forms E108*, E213*.
Identifiers: ClinVar variation 984017 (VCV000984017.3), dbSNP rs758703098, ClinGen allele CA410600840.
Genomic context (GRCh38, chr21:43,065,416, plus strand): 5'-AATGCCTGTCTCCAGGCCCCAGGTGCCTCACCTGGTCTAGGATGTGAGAATTGGGGATTT[C>A]GTTCTTCAGCCGCCAGGCCACCCCCACGTGTGACTCCGGGGAGTCGAACCTGGCATTGGT-3'

ClinVar aggregate classification (germline): Likely pathogenic (1 of 4 stars; one submission).

Conditions:
Classic homocystinuria. Also called: Homocystinuria due to Cystathionine Beta-Synthase Deficiency; HOMOCYSTINURIA WITH OR WITHOUT RESPONSE TO PYRIDOXINE; Homocystinuria due to CBS deficiency; Cystathionine beta-synthase deficiency; CBS deficiency. Identifiers: Orphanet 394, MedGen C0751202, MONDO:0009352, OMIM 236200.

Submission:

Myriad Genetics, Inc.
Classification: Likely pathogenic for Classic homocystinuria. Last evaluated: 2019-12-19. Review status: criteria provided, single submitter. Criteria: Myriad Women's Health Autosomal Recessive and X-Linked Classification Criteria (2019). Collection method: clinical testing. Allele origin: unknown.
Comment: NM_000071.2(CBS):c.637G>T(E213*) is expected to be pathogenic in the context of homocystinuria, CBS-related. This variant is predicted to lead to an abnormal or absent protein product due to the creation of a premature termination codon in CBS, a gene where loss-of-function variants are known to be pathogenic. Please note: this variant was assessed in the context of healthy population screening.